The following is an entry in ClinVar:

NM_005733.3(KIF20A):c.1576G>A (p.Glu526Lys)

Gene: KIF20A (kinesin family member 20A; plus strand). Cytogenetic location: 5q31.2.
Variant type: single nucleotide variant.
Coding change: c.1576G>A on transcript NM_005733.3 (MANE Select); coding-DNA position 1576, G replaced by A.
Protein change: p.Glu526Lys; replaces glutamic acid 526 with lysine.
Molecular consequence: missense variant.
Genome position (GRCh38, 1-based): chr5:138,184,569, G>A. VCF-style: chr5-138184569-G-A. GRCh37 (hg19) VCF-style: chr5-137520258-G-A.
Other names: short protein forms E526K.
Identifiers: ClinVar variation 2091629 (VCV002091629.4), dbSNP rs2482185849, ClinGen allele CA361116691.

ClinVar aggregate classification (germline): Uncertain significance (1 of 4 stars; one submission).

Submission:

Labcorp Genetics (formerly Invitae), Labcorp
Classification: Uncertain significance. Last evaluated: 2022-02-01. Review status: criteria provided, single submitter. Criteria: Invitae Variant Classification Sherloc (09022015). Collection method: clinical testing. Allele origin: germline.
Comment: In summary, the available evidence is currently insufficient to determine the role of this variant in disease. Therefore, it has been classified as a Variant of Uncertain Significance. Algorithms developed to predict the effect of missense changes on protein structure and function (SIFT, PolyPhen-2, Align-GVGD) all suggest that this variant is likely to be tolerated. This variant has not been reported in the literature in individuals affected with KIF20A-related conditions. This variant is not present in population databases (gnomAD no frequency). This sequence change replaces glutamic acid, which is acidic and polar, with lysine, which is basic and polar, at codon 526 of the KIF20A protein (p.Glu526Lys).